The following is an entry in ClinVar:

ClinVar aggregate classification (germline): Likely benign. Review status: criteria provided, multiple submitters, no conflicts (2 of 4 stars). 2 submissions from 2 submitters: Likely benign (2). Last evaluated 2026-05-13.

Conditions:
Neurofibromatosis, type 1 (NF1). Also called: VON RECKLINGHAUSEN DISEASE; NEUROFIBROMATOSIS, TYPE I, SOMATIC; Neurofibromatosis, type I; Peripheral type neurofibromatosis. Identifiers: Orphanet 636, MedGen C0027831, MONDO:0018975, OMIM 162200. Disease mechanism: loss of function.

Submissions (2):

Myriad Genetics, Inc.
Classification: Likely benign for Neurofibromatosis, type 1. Last evaluated: 2026-05-13. Review status: criteria provided, single submitter. Criteria: Myriad Autosomal Dominant, Autosomal Recessive and X-Linked Classification Criteria (2023). Collection method: clinical testing. Allele origin: unknown.
Comment: This variant is considered likely benign. This variant is intronic and is not expected to impact mRNA splicing.

Labcorp Genetics (formerly Invitae), Labcorp
Classification: Likely benign for Neurofibromatosis, type 1. Last evaluated: 2025-11-05. Review status: criteria provided, single submitter. Criteria: Invitae Variant Classification Sherloc (09022015). Collection method: clinical testing. Allele origin: germline.

NM_001042492.3(NF1):c.4725-16G>A

Gene: NF1 (neurofibromin 1; plus strand). Cytogenetic location: 17q11.2.
Variant type: single nucleotide variant.
Coding change: c.4725-16G>A on transcript NM_001042492.3 (MANE Select); 16 bases into the intron before coding-DNA position 4725, G replaced by A.
Molecular consequence: intron variant.
Genome position (GRCh38, 1-based): chr17:31,265,213, G>A. VCF-style: chr17-31265213-G-A. GRCh37 (hg19) VCF-style: chr17-29592231-G-A.
Other names: c.4662-16G>A (NM_000267.4).
Identifiers: ClinVar variation 1634780 (VCV001634780.9), dbSNP rs2151469950, ClinGen allele CA2573153666.